The following is an entry in ClinVar:

ClinVar aggregate classification (germline): Uncertain significance. Review status: criteria provided, multiple submitters, no conflicts (2 of 4 stars). 3 submissions from 3 submitters: Uncertain significance (2). 1 of the submissions does not count toward it. Last evaluated 2025-12-09.

Conditions:
Rubinstein-Taybi syndrome due to EP300 haploinsufficiency. Also called: EP300-Related Rubinstein-Taybi Syndrome; RUBINSTEIN-TAYBI SYNDROME 2. Identifiers: Orphanet 353284, Orphanet 783, MedGen C3150941, MONDO:0013364, OMIM 613684.
EP300-related disorder. Also called: EP300-related condition; EP300-related disorders.
Inborn genetic diseases. Identifiers: MedGen C0950123, MeSH D030342.

gnomAD v4.1: 8 of 1,614,006 alleles (0.0005%); highest among the groups gnomAD compares: Non-Finnish European, 0.00068%; no homozygotes.

Submissions (3):

Ambry Genetics
Classification: Uncertain significance for Inborn genetic diseases. Last evaluated: 2025-12-09. Review status: criteria provided, single submitter. Criteria: Ambry Variant Classification Scheme 2023. Collection method: clinical testing. Allele origin: germline.

Labcorp Genetics (formerly Invitae), Labcorp
Classification: Uncertain significance for Rubinstein-Taybi syndrome due to EP300 haploinsufficiency. Last evaluated: 2025-04-07. Review status: criteria provided, single submitter. Criteria: Invitae Variant Classification Sherloc (09022015). Collection method: clinical testing. Allele origin: germline.
Comment: This sequence change replaces leucine, which is neutral and non-polar, with methionine, which is neutral and non-polar, at codon 236 of the EP300 protein (p.Leu236Met). This variant is present in population databases (rs370931638, gnomAD 0.002%). This variant has not been reported in the literature in individuals affected with EP300-related conditions. ClinVar contains an entry for this variant (Variation ID: 2161691). Invitae Evidence Modeling of protein sequence and biophysical properties (such as structural, functional, and spatial information, amino acid conservation, physicochemical variation, residue mobility, and thermodynamic stability) indicates that this missense variant is not expected to disrupt EP300 protein function with a negative predictive value of 80%. In summary, the available evidence is currently insufficient to determine the role of this variant in disease. Therefore, it has been classified as a Variant of Uncertain Significance.

PreventionGenetics, part of Exact Sciences
Classification: Uncertain significance for EP300-related condition. Last evaluated: 2024-03-26. Review status: no assertion criteria provided. Collection method: clinical testing. Allele origin: germline. Not counted in ClinVar's aggregate classification.
Comment: The EP300 c.706T>A variant is predicted to result in the amino acid substitution p.Leu236Met. To our knowledge, this variant has not been reported in the literature. This variant is reported in 0.0016% of alleles in individuals of European (Non-Finnish) descent in gnomAD. At this time, the clinical significance of this variant is uncertain due to the absence of conclusive functional and genetic evidence.

NM_001429.4(EP300):c.706T>A (p.Leu236Met)

Gene: EP300 (EP300 lysine acetyltransferase; plus strand). Cytogenetic location: 22q13.2.
Variant type: single nucleotide variant.
Coding change: c.706T>A on transcript NM_001429.4 (MANE Select); coding-DNA position 706, T replaced by A.
Protein change: p.Leu236Met; replaces leucine 236 with methionine.
Molecular consequence: missense variant.
Genome position (GRCh38, 1-based): chr22:41,117,798, T>A. VCF-style: chr22-41117798-T-A. GRCh37 (hg19) VCF-style: chr22-41513802-T-A.
Other names: c.706T>A (NM_001429.3); c.706T>A, p.Leu236Met (NM_001362843.2); short protein forms L236M.
Identifiers: ClinVar variation 2161691 (VCV002161691.6), dbSNP rs370931638, ClinGen allele CA10252305.